The following is an entry in ClinVar:

ClinVar aggregate classification (germline): Uncertain significance (0 of 4 stars; one submission).

Conditions:
PTPRO-related disorder. Also called: PTPRO-related condition.

gnomAD v4.1: 12 of 1,611,228 alleles (0.00074%); highest among the groups gnomAD compares: Middle Eastern, 0.016%; no homozygotes.

Submission:

PreventionGenetics, part of Exact Sciences
Classification: Uncertain significance for PTPRO-related condition. Last evaluated: 2024-03-23. Review status: no assertion criteria provided. Collection method: clinical testing. Allele origin: germline.
Comment: The PTPRO c.2191G>A variant is predicted to result in the amino acid substitution p.Ala731Thr. To our knowledge, this variant has not been reported in the literature. This variant is reported in 0.0056% of alleles in individuals of East Asian descent in gnomAD. At this time, the clinical significance of this variant is uncertain due to the absence of conclusive functional and genetic evidence.

NM_030667.3(PTPRO):c.2191G>A (p.Ala731Thr)

Gene: PTPRO (protein tyrosine phosphatase receptor type O; plus strand). Cytogenetic location: 12p12.3.
Variant type: single nucleotide variant.
Coding change: c.2191G>A on transcript NM_030667.3 (MANE Select); coding-DNA position 2191, G replaced by A.
Protein change: p.Ala731Thr; replaces alanine 731 with threonine.
Molecular consequence: missense variant.
Genome position (GRCh38, 1-based): chr12:15,546,595, G>A. VCF-style: chr12-15546595-G-A. GRCh37 (hg19) VCF-style: chr12-15699529-G-A.
Other names: c.2191G>A, p.Ala731Thr (NM_002848.4); short protein forms A731T.
Identifiers: ClinVar variation 3356726 (VCV003356726.1).